The following is an entry in ClinVar:

NM_003235.5(TG):c.6782+1G>T

Gene: TG (thyroglobulin; plus strand). Cytogenetic location: 8q24.22.
Variant type: single nucleotide variant.
Coding change: c.6782+1G>T on transcript NM_003235.5 (MANE Select); the canonical splice donor site of the intron after coding-DNA position 6782, G replaced by T.
Molecular consequence: splice donor variant.
Genome position (GRCh38, 1-based): chr8:133,017,998, G>T. VCF-style: chr8-133017998-G-T. GRCh37 (hg19) VCF-style: chr8-134030243-G-T.
Identifiers: ClinVar variation 3004237 (VCV003004237.5), dbSNP rs1463437378, ClinGen allele CA372233960.

ClinVar aggregate classification (germline): Likely pathogenic. Review status: criteria provided, multiple submitters, no conflicts (2 of 4 stars). 3 submissions from 3 submitters: Likely pathogenic (3). Last evaluated 2024-07-24.

Conditions:
Iodotyrosyl coupling defect (TDH3). Also called: THYROID HORMONOGENESIS, GENETIC DEFECT IN, 3; HYPOTHYROIDISM, CONGENITAL, DUE TO DYSHORMONOGENESIS, 3. Identifiers: Orphanet 95716, MedGen C0342194, MONDO:0010135, OMIM 274700.
Autoimmune thyroid disease, susceptibility to, 3. Identifiers: MedGen C1842444, MONDO:0011982, OMIM 608175.

Allele frequency attached by ClinVar (database versions not stated): gnomAD 0.00002; TOPMed 0.00002.
gnomAD v4.1: 24 of 1,613,904 alleles (0.0015%); highest among the groups gnomAD compares: Non-Finnish European, 0.0019%; no homozygotes.

Submissions (3):

GeneDx
Classification: Likely pathogenic. Last evaluated: 2024-07-24. Review status: criteria provided, single submitter. Criteria: GeneDx Variant Classification Process June 2021. Collection method: clinical testing. Allele origin: germline. Affected: yes.
Comment: Canonical splice site variant predicted to result in a null allele in a gene for which loss of function is a known mechanism of disease; Not observed at significant frequency in large population cohorts (gnomAD); Has not been previously published in association with a TG-related disorder to our knowledge; This variant is associated with the following publications: (PMID: 19837936, 23164529, 36884306, 34200080, 35177841)

Fulgent Genetics
Classification: Likely pathogenic for Iodotyrosyl coupling defect; Autoimmune thyroid disease, susceptibility to, 3. Last evaluated: 2024-02-16. Review status: criteria provided, single submitter. Criteria: ACMG Guidelines, 2015. Collection method: clinical testing. Allele origin: germline.

Labcorp Genetics (formerly Invitae), Labcorp
Classification: Likely pathogenic. Last evaluated: 2022-12-20. Review status: criteria provided, single submitter. Criteria: Invitae Variant Classification Sherloc (09022015). Collection method: clinical testing. Allele origin: germline.
Comment: In summary, the currently available evidence indicates that the variant is pathogenic, but additional data are needed to prove that conclusively. Therefore, this variant has been classified as Likely Pathogenic. Algorithms developed to predict the effect of sequence changes on RNA splicing suggest that this variant may disrupt the consensus splice site. This variant has not been reported in the literature in individuals affected with TG-related conditions. This variant is present in population databases (no rsID available, gnomAD 0.002%). This sequence change affects a donor splice site in intron 38 of the TG gene. It is expected to disrupt RNA splicing. Variants that disrupt the donor or acceptor splice site typically lead to a loss of protein function (PMID: 16199547), and loss-of-function variants in TG are known to be pathogenic (PMID: 19837936, 23164529).

Literature cited by the submitters: PubMed 16199547 (cited by Labcorp Genetics (formerly Invitae), Labcorp); PubMed 19837936 (cited by Labcorp Genetics (formerly Invitae), Labcorp); PubMed 23164529 (cited by Labcorp Genetics (formerly Invitae), Labcorp).